The following is an entry in ClinVar:

ClinVar aggregate classification (germline): Pathogenic (1 of 4 stars; one submission).

Submission:

Cytogenetics Laboratory, University of Washington
Classification: Pathogenic. Last evaluated: 2015-01-25. Review status: criteria provided, single submitter. Criteria: UW Cytogenetics and Genomics Laboratory Policy on CNV Interpretation (5/6/2015). Collection method: clinical testing. Allele origin: unknown. Affected: yes. Observed: 1 variant allele.

Literature cited by the submitters: PubMed 19609942; PubMed 24119255; PubMed 18413370; PubMed 11477606.

GRCh37/hg19 Xp22.31(chrX:6456837-8119329)x0

Genes: PNPLA4 (patatin like domain 4, phospholipase and triacylglycerol lipase; minus strand), PUDP (pseudouridine 5'-phosphatase; minus strand), STS (steroid sulfatase; plus strand), VCX (variable charge X-linked; plus strand). Cytogenetic location: Xp22.31.
Variant type: copy number loss.
Change: copy number 0 of chrX:6,456,837-8,119,329 (1.66 Mb, GRCh37 coordinates, 1-based), cytogenetic band Xp22.31.
Identifiers: ClinVar variation 202222 (VCV000202222.4).